The following is an entry in ClinVar:

NM_001927.4(DES):c.944G>A (p.Arg315His)

Gene: DES (desmin; plus strand). Cytogenetic location: 2q35.
Variant type: single nucleotide variant.
Coding change: c.944G>A on transcript NM_001927.4 (MANE Select); coding-DNA position 944, G replaced by A.
Protein change: p.Arg315His; replaces arginine 315 with histidine.
Molecular consequence: missense variant.
Genome position (GRCh38, 1-based): chr2:219,420,874, G>A. VCF-style: chr2-219420874-G-A. GRCh37 (hg19) VCF-style: chr2-220285596-G-A.
Other names: short protein forms R315H.
Identifiers: ClinVar variation 289659 (VCV000289659.22), dbSNP rs771455648, ClinGen allele CA2125194.

ClinVar aggregate classification (germline): Uncertain significance. Review status: criteria provided, multiple submitters, no conflicts (2 of 4 stars). 7 submissions from 7 submitters: Uncertain significance (5). 2 of the submissions do not count toward it. Last evaluated 2025-12-24.

Conditions:
Desmin-related myofibrillar myopathy (MFM1). Also called: Desminopathy; Myofibrillar myopathy 1; Desmin related myopathy (former name); Desmin storage myopathy (former name); MYOFIBRILLAR MYOPATHY WITH ARRHYTHMOGENIC RIGHT VENTRICULAR CARDIOMYOPATHY; DESMIN-RELATED MYOPATHY WITH ARRHYTHMOGENIC RIGHT VENTRICULAR CARDIOMYOPATHY. Identifiers: Orphanet 363543, Orphanet 98909, MedGen C1832370, MONDO:0011076, OMIM 601419.
Cardiovascular phenotype. Identifiers: MedGen CN230736.

Allele frequency attached by ClinVar (database versions not stated): TOPMed 0.00002.
gnomAD v4.1: 44 of 1,613,714 alleles (0.0027%); highest among the groups gnomAD compares: Non-Finnish European, 0.0035%; no homozygotes.

Submissions (7):

Labcorp Genetics (formerly Invitae), Labcorp
Classification: Uncertain significance for Desmin-related myofibrillar myopathy. Last evaluated: 2025-12-24. Review status: criteria provided, single submitter. Criteria: Invitae Variant Classification Sherloc (09022015). Collection method: clinical testing. Allele origin: germline.
Comment: This sequence change replaces arginine, which is basic and polar, with histidine, which is basic and polar, at codon 315 of the DES protein (p.Arg315His). This variant is present in population databases (rs771455648, gnomAD 0.01%). This missense change has been observed in individual(s) with desmin-related myopathy (PMID: 22215463). ClinVar contains an entry for this variant (Variation ID: 289659). Invitae Evidence Modeling of protein sequence and biophysical properties (such as structural, functional, and spatial information, amino acid conservation, physicochemical variation, residue mobility, and thermodynamic stability) has been performed for this missense variant. However, the output from this modeling did not meet the statistical confidence thresholds required to predict the impact of this variant on DES protein function. In summary, the available evidence is currently insufficient to determine the role of this variant in disease. Therefore, it has been classified as a Variant of Uncertain Significance.

Ambry Genetics
Classification: Uncertain significance for Cardiovascular phenotype. Last evaluated: 2025-08-20. Review status: criteria provided, single submitter. Criteria: Ambry Variant Classification Scheme 2023. Collection method: clinical testing. Allele origin: germline.
Comment: The p.R315H variant (also known as c.944G>A), located in coding exon 5 of the DES gene, results from a G to A substitution at nucleotide position 944. The arginine at codon 315 is replaced by histidine, an amino acid with highly similar properties. This amino acid position is highly conserved in available vertebrate species. In addition, this alteration is predicted to be deleterious by in silico analysis. Since supporting evidence is limited at this time, the clinical significance of this alteration remains unclear.

Blueprint Genetics
Classification: Uncertain significance. Last evaluated: 2023-12-12. Review status: criteria provided, single submitter. Criteria: ACMG Guidelines, 2015. Collection method: clinical testing. Allele origin: germline.

Revvity Omics, Revvity
Classification: Uncertain significance. Last evaluated: 2019-06-10. Review status: criteria provided, single submitter. Criteria: ACMG Guidelines, 2015. Collection method: clinical testing. Allele origin: germline.

Eurofins Ntd Llc (ga)
Classification: Uncertain significance. Last evaluated: 2016-08-16. Review status: criteria provided, single submitter. Criteria: EGL Classification Definitions 2015. Collection method: clinical testing. Allele origin: germline. Observed: 1 variant allele, 1 heterozygote.

Diagnostic Laboratory, Department of Genetics, University Medical Center Groningen
Classification: Uncertain significance. Review status: no assertion criteria provided. Collection method: clinical testing. Allele origin: germline. Affected: yes. Study: VKGL Data-share Consensus. Not counted in ClinVar's aggregate classification.

Joint Genome Diagnostic Labs from Nijmegen and Maastricht, Radboudumc and MUMC+
Classification: Uncertain significance. Review status: no assertion criteria provided. Collection method: clinical testing. Allele origin: germline. Affected: yes. Study: VKGL Data-share Consensus. Not counted in ClinVar's aggregate classification.

Literature cited by the submitters: PubMed 22215463 (cited by Labcorp Genetics (formerly Invitae), Labcorp).